The following is an entry in ClinVar:

NM_000051.4(ATM):c.8584+3A>G

Genes: ATM (ATM serine/threonine kinase; plus strand), C11orf65 (chromosome 11 open reading frame 65; minus strand). Cytogenetic location: 11q22.3.
Variant type: single nucleotide variant.
Coding change: c.8584+3A>G on transcript NM_000051.4 (MANE Select); 3 bases into the intron after coding-DNA position 8584, A replaced by G.
Molecular consequence: intron variant.
Genome position (GRCh38, 1-based): chr11:108,345,911, A>G. VCF-style: chr11-108345911-A-G. GRCh37 (hg19) VCF-style: chr11-108216638-A-G.
Other names: c.8584+3A>G (NM_001351834.2); c.641-36840T>C (NM_001330368.2); c.695-10619T>C (NM_001351110.2).
Identifiers: ClinVar variation 1763925 (VCV001763925.10), dbSNP rs770905284, ClinGen allele CA6266383.
Genomic context (GRCh38, chr11:108,345,911, plus strand): 5'-GCTATTTGGTTTGAGAAGCGATTGGCTTATACGCGCAGTGTAGCTACTTCTTCTATTGGT[A>G]ATCTTCTTGTACATATAGTAGATTGAGCACTTTGTTGTTTGGCAGGTTTTATTTTTGTTT-3'

ClinVar aggregate classification (germline): Uncertain significance. Review status: criteria provided, multiple submitters, no conflicts (2 of 4 stars). 3 submissions from 3 submitters: Uncertain significance (3). Last evaluated 2025-10-04.

Conditions:
Hereditary cancer-predisposing syndrome. Also called: Hereditary neoplastic syndrome; Neoplastic Syndromes, Hereditary; Tumor predisposition; Hereditary Cancer Syndrome. Identifiers: Orphanet 140162, MedGen C0027672, MeSH D009386, MONDO:0015356.
Ataxia-telangiectasia syndrome (AT). Also called: Ataxia telangiectasia (A-T); LOUIS-BAR SYNDROME; Cerebello-oculocutaneous telangiectasia; Immunodeficiency with ataxia telangiectasia; Ataxia-telangiectasia, complementation group D; AT, COMPLEMENTATION GROUP C. Identifiers: Orphanet 100, MedGen C0004135, MONDO:0008840, OMIM 208900.

Allele frequency attached by ClinVar (database versions not stated): ExAC 0.00001; gnomAD exomes below 0.00001.
gnomAD v4.1: 1 of 1,613,530 alleles (0.000062%); highest among the groups gnomAD compares: Non-Finnish European, 0.000085%; no homozygotes.

Submissions (3):

Labcorp Genetics (formerly Invitae), Labcorp
Classification: Uncertain significance for Ataxia-telangiectasia syndrome. Last evaluated: 2025-10-04. Review status: criteria provided, single submitter. Criteria: Invitae Variant Classification Sherloc (09022015). Collection method: clinical testing. Allele origin: germline.
Comment: This sequence change falls in intron 58 of the ATM gene. It does not directly change the encoded amino acid sequence of the ATM protein. It affects a nucleotide within the consensus splice site. This variant is present in population databases (rs770905284, gnomAD 0.0009%). This variant has not been reported in the literature in individuals affected with ATM-related conditions. ClinVar contains an entry for this variant (Variation ID: 1763925). Variants that disrupt the consensus splice site are a relatively common cause of aberrant splicing (PMID: 17576681, 9536098). Algorithms developed to predict the effect of sequence changes on RNA splicing suggest that this variant may disrupt the consensus splice site. In summary, the available evidence is currently insufficient to determine the role of this variant in disease. Therefore, it has been classified as a Variant of Uncertain Significance.

Ambry Genetics
Classification: Uncertain significance for Hereditary cancer-predisposing syndrome. Last evaluated: 2025-08-01. Review status: criteria provided, single submitter. Criteria: Ambry Variant Classification Scheme 2023. Collection method: clinical testing. Allele origin: germline.
Comment: The c.8584+3A>G intronic variant results from an A to G substitution 3 nucleotides after coding exon 57 in the ATM gene. This nucleotide position is highly conserved in available vertebrate species. In silico splice site analysis predicts that this alteration will weaken the native splice donor site; however, direct evidence is insufficient at this time (Ambry internal data). Based on the available evidence, the clinical significance of this variant remains unclear.

GeneDx
Classification: Uncertain significance. Last evaluated: 2023-09-13. Review status: criteria provided, single submitter. Criteria: GeneDx Variant Classification Process June 2021. Collection method: clinical testing. Allele origin: germline. Affected: yes.
Comment: Not observed at significant frequency in large population cohorts (gnomAD); In silico analysis supports a deleterious effect on splicing; Has not been previously published as pathogenic or benign to our knowledge; This variant is associated with the following publications: (PMID: 36570645)

Literature cited by the submitters: PubMed 17576681 (cited by Labcorp Genetics (formerly Invitae), Labcorp); PubMed 9536098 (cited by Labcorp Genetics (formerly Invitae), Labcorp).